The following is an entry in ClinVar:

NM_000321.3(RB1):c.1435G>A (p.Asp479Asn)

Gene: RB1 (RB transcriptional corepressor 1; plus strand). Cytogenetic location: 13q14.2.
Variant type: single nucleotide variant.
Coding change: c.1435G>A on transcript NM_000321.3 (MANE Select); coding-DNA position 1435, G replaced by A.
Protein change: p.Asp479Asn; replaces aspartic acid 479 with asparagine.
Molecular consequence: missense variant.
Genome position (GRCh38, 1-based): chr13:48,380,178, G>A. VCF-style: chr13-48380178-G-A. GRCh37 (hg19) VCF-style: chr13-48954314-G-A.
Other names: c.1435G>A, p.Asp479Asn (NM_001407165.1, NM_001407166.1); short protein forms D479N.
Identifiers: ClinVar variation 4744120 (VCV004744120.1).

ClinVar aggregate classification (germline): Uncertain significance (1 of 4 stars; one submission).

Conditions:
Retinoblastoma (RB1). Also called: RETINOBLASTOMA, SOMATIC. Identifiers: Orphanet 790, MedGen C0035335, MeSH D012175, MONDO:0008380, OMIM 180200, HP:0009919. Disease mechanism: loss of function. Inheritance: Both sporadic and heritable forms are tested..

gnomAD v4.1: 1 of 1,588,272 alleles (0.000063%); no homozygotes.

Submission:

Labcorp Genetics (formerly Invitae), Labcorp
Classification: Uncertain significance for Retinoblastoma. Last evaluated: 2025-12-15. Review status: criteria provided, single submitter. Criteria: Invitae Variant Classification Sherloc (09022015). Collection method: clinical testing. Allele origin: germline.
Comment: This sequence change replaces aspartic acid, which is acidic and polar, with asparagine, which is neutral and polar, at codon 479 of the RB1 protein (p.Asp479Asn). This variant is not present in population databases (gnomAD no frequency). This variant has not been reported in the literature in individuals affected with RB1-related conditions. Invitae Evidence Modeling of protein sequence and biophysical properties (such as structural, functional, and spatial information, amino acid conservation, physicochemical variation, residue mobility, and thermodynamic stability) indicates that this missense variant is not expected to disrupt RB1 protein function with a negative predictive value of 80%. In summary, the available evidence is currently insufficient to determine the role of this variant in disease. Therefore, it has been classified as a Variant of Uncertain Significance.